The following is an entry in ClinVar:

NM_020794.2:c.3622G>T

Gene: LRRC7 (leucine rich repeat containing 7; plus strand).
Variant type: single nucleotide variant.
Identifiers: ClinVar variation 4832086 (VCV004832086.1).

ClinVar aggregate classification (germline): Pathogenic (1 of 4 stars; one submission).

Submission:

Ambry Genetics
Classification: Pathogenic. Last evaluated: 2026-02-25. Review status: criteria provided, single submitter. Criteria: Ambry Variant Classification Scheme 2023. Collection method: clinical testing. Allele origin: germline.
Comment: The c.3622G>T (p.E1208*) alteration, located in coding exon 19 of the LRRC7 gene, consists of a G to T substitution at nucleotide position 3622. This changes the amino acid from a glutamic acid (E) to a stop codon at amino acid position 1208. This alteration is expected to result in loss of function by premature protein truncation or nonsense-mediated mRNA decay. This variant was not reported in population-based cohorts in the Genome Aggregation Database (gnomAD). Based on the available evidence, this alteration is classified as pathogenic.